The following is an entry in ClinVar:

NM_000301.5(PLG):c.757C>T (p.Arg253Cys)

Gene: PLG (plasminogen; plus strand). Cytogenetic location: 6q26.
Variant type: single nucleotide variant.
Coding change: c.757C>T on transcript NM_000301.5 (MANE Select); coding-DNA position 757, C replaced by T.
Protein change: p.Arg253Cys; replaces arginine 253 with cysteine.
Molecular consequence: missense variant.
Genome position (GRCh38, 1-based): chr6:160,716,733, C>T. VCF-style: chr6-160716733-C-T. GRCh37 (hg19) VCF-style: chr6-161137765-C-T.
Other names: short protein forms R253C.
Identifiers: ClinVar variation 2402447 (VCV002402447.3), dbSNP rs767909495, ClinGen allele CA4087560.

ClinVar aggregate classification (germline): Uncertain significance. Review status: criteria provided, multiple submitters, no conflicts (2 of 4 stars). 2 submissions from 2 submitters: Uncertain significance (2). Last evaluated 2025-03-04.

Conditions:
Inborn genetic diseases. Identifiers: MedGen C0950123, MeSH D030342.

Allele frequency attached by ClinVar (database versions not stated): ExAC 0.00003; gnomAD 0.00004; TOPMed 0.00004.

Submissions (2):

Labcorp Genetics (formerly Invitae), Labcorp
Classification: Uncertain significance. Last evaluated: 2025-03-04. Review status: criteria provided, single submitter. Criteria: Invitae Variant Classification Sherloc (09022015). Collection method: clinical testing. Allele origin: germline.
Comment: This sequence change replaces arginine, which is basic and polar, with cysteine, which is neutral and slightly polar, at codon 253 of the PLG protein (p.Arg253Cys). This variant is present in population databases (rs767909495, gnomAD 0.007%). This variant has not been reported in the literature in individuals affected with PLG-related conditions. ClinVar contains an entry for this variant (Variation ID: 2402447). Invitae Evidence Modeling of protein sequence and biophysical properties (such as structural, functional, and spatial information, amino acid conservation, physicochemical variation, residue mobility, and thermodynamic stability) indicates that this missense variant is not expected to disrupt PLG protein function with a negative predictive value of 80%. In summary, the available evidence is currently insufficient to determine the role of this variant in disease. Therefore, it has been classified as a Variant of Uncertain Significance.

Ambry Genetics
Classification: Uncertain significance for Inborn genetic diseases. Last evaluated: 2021-10-05. Review status: criteria provided, single submitter. Criteria: Ambry Variant Classification Scheme 2023. Collection method: clinical testing. Allele origin: germline.